The following is an entry in ClinVar:

ClinVar aggregate classification (germline): Pathogenic. Review status: criteria provided, single submitter (1 of 4 stars). 2 submissions from 2 submitters: Pathogenic (1). 1 of the submissions does not count toward it. Last evaluated 2023-02-09.

Conditions:
Fanconi anemia (FA). Also called: Fanconi's anemia. Identifiers: Orphanet 84, MedGen C0015625, MeSH D005199, MONDO:0019391.
Fanconi anemia complementation group A (FANCA). Also called: Fanconi anemia, group A; FANCA-Related Fanconi Anemia. Identifiers: Orphanet 84, MedGen C3469521, MONDO:0009215, OMIM 227650.

Submissions (2):

Labcorp Genetics (formerly Invitae), Labcorp
Classification: Pathogenic for Fanconi anemia. Last evaluated: 2023-02-09. Review status: criteria provided, single submitter. Criteria: Invitae Variant Classification Sherloc (09022015). Collection method: clinical testing. Allele origin: germline.
Comment: This sequence change creates a premature translational stop signal (p.Leu43*) in the FANCA gene. It is expected to result in an absent or disrupted protein product. Loss-of-function variants in FANCA are known to be pathogenic (PMID: 19367192). This variant is not present in population databases (gnomAD no frequency). This premature translational stop signal has been observed in individual(s) with clinical features of Fanconi anemia (PMID: 17924555, 33224012). ClinVar contains an entry for this variant (Variation ID: 974282). For these reasons, this variant has been classified as Pathogenic.

Leiden Open Variation Database
Classification: Pathogenic for Fanconi anemia complementation group A. Last evaluated: 2020-02-28. Review status: no assertion criteria provided. Collection method: curation. Allele origin: germline. Affected: yes. Not counted in ClinVar's aggregate classification.
Comment: Curator: Arleen D. Auerbach. Submitter to LOVD: Johan de Winter.

Literature cited by the submitters: PubMed 19367192 (cited by Labcorp Genetics (formerly Invitae), Labcorp); PubMed 17924555 (cited by Labcorp Genetics (formerly Invitae), Labcorp and Leiden Open Variation Database); PubMed 33224012 (cited by Labcorp Genetics (formerly Invitae), Labcorp).

NM_000135.4(FANCA):c.128T>A (p.Leu43Ter)

Gene: FANCA (FA complementation group A; minus strand). Cytogenetic location: 16q24.3.
Variant type: single nucleotide variant.
Coding change: c.128T>A on transcript NM_000135.4 (MANE Select); coding-DNA position 128, T replaced by A.
Protein change: p.Leu43Ter; replaces leucine 43 with a stop codon.
Molecular consequence: nonsense.
Genome position (GRCh38, 1-based): chr16:89,815,938, A>T on the plus strand (T>A on the coding strand, the complement: FANCA is on the minus strand). VCF-style: chr16-89815938-A-T. GRCh37 (hg19) VCF-style: chr16-89882346-A-T.
Other names: c.128T>A, p.Leu43Ter (NM_001018112.3, NM_001286167.3, NM_001351830.2); short protein forms L43*.
Identifiers: ClinVar variation 974282 (VCV000974282.4), dbSNP rs1158456786, ClinGen allele CA397483468.